The following is an entry in ClinVar:

ClinVar aggregate classification (germline): Likely benign. Review status: criteria provided, single submitter (1 of 4 stars). 2 submissions from 2 submitters: Likely benign (1). 1 of the submissions does not count toward it. Last evaluated 2024-05-02.

Conditions:
SETX-related disorder. Also called: SETX-related condition; SETX-related disorders. Identifiers: MedGen CN239403.
Amyotrophic lateral sclerosis type 4 (ALS4). Also called: AMYOTROPHIC LATERAL SCLEROSIS 4, JUVENILE; NEURONOPATHY, DISTAL HEREDITARY MOTOR, WITH PYRAMIDAL FEATURES. Identifiers: Orphanet 357043, MedGen C1865409, MONDO:0011223, OMIM 602433.
Spinocerebellar ataxia, autosomal recessive, with axonal neuropathy 2 (SCAN2). Also called: ATAXIA-OCULOMOTOR APRAXIA 2; Ataxia-ocular apraxia-2; Ataxia with Oculomotor Apraxia; Ataxia with Oculomotor Apraxia Type 2. Identifiers: Orphanet 64753, MedGen C1853761, MONDO:0018996, OMIM 606002.

Allele frequency attached by ClinVar (database versions not stated): ExAC 0.00002; gnomAD exomes 0.00002; TOPMed 0.00002; gnomAD 0.00003.
gnomAD v4.1: 34 of 1,614,080 alleles (0.0021%); highest among the groups gnomAD compares: Admixed American, 0.015%; no homozygotes.

Submissions (2):

Labcorp Genetics (formerly Invitae), Labcorp
Classification: Likely benign for Amyotrophic lateral sclerosis type 4; Spinocerebellar ataxia, autosomal recessive, with axonal neuropathy 2. Last evaluated: 2024-05-02. Review status: criteria provided, single submitter. Criteria: Invitae Variant Classification Sherloc (09022015). Collection method: clinical testing. Allele origin: germline.

PreventionGenetics, part of Exact Sciences
Classification: Likely benign for SETX-related condition. Last evaluated: 2023-02-24. Review status: no assertion criteria provided. Collection method: clinical testing. Allele origin: germline. Not counted in ClinVar's aggregate classification.
Comment: This variant is classified as likely benign based on ACMG/AMP sequence variant interpretation guidelines (Richards et al. 2015 PMID: 25741868, with internal and published modifications).

NM_015046.7(SETX):c.4983T>G (p.Pro1661=)

Gene: SETX (senataxin; minus strand). Cytogenetic location: 9q34.13.
Variant type: single nucleotide variant.
Coding change: c.4983T>G on transcript NM_015046.7 (MANE Select); coding-DNA position 4983, T replaced by G.
Protein change: p.Pro1661=; no amino-acid change (proline 1661 retained).
Molecular consequence: synonymous variant.
Genome position (GRCh38, 1-based): chr9:132,326,615, A>C on the plus strand (T>G on the coding strand, the complement: SETX is on the minus strand). VCF-style: chr9-132326615-A-C. GRCh37 (hg19) VCF-style: chr9-135202002-A-C.
Other names: c.4983T>G, p.Pro1661= (NM_001351527.2, NM_001351528.2).
Identifiers: ClinVar variation 3032996 (VCV003032996.4), dbSNP rs755672207, ClinGen allele CA5297097.